The following is an entry in ClinVar:

ClinVar aggregate classification (germline): Uncertain significance (1 of 4 stars; one submission).

Conditions:
Mucopolysaccharidosis, MPS-IV-A (MPS4A). Also called: Mucopolysaccharidosis type IV A; Mucopolysaccharidosis Type IVA; Morquio syndrome A, mild; MORQUIO SYNDROME A; GALACTOSAMINE-6-SULFATASE DEFICIENCY; GALNS DEFICIENCY. Identifiers: Orphanet 309297, Orphanet 582, MedGen C0086651, MONDO:0009659, OMIM 253000.

Submission:

Labcorp Genetics (formerly Invitae), Labcorp
Classification: Uncertain significance for Mucopolysaccharidosis, MPS-IV-A. Last evaluated: 2025-09-10. Review status: criteria provided, single submitter. Criteria: Invitae Variant Classification Sherloc (09022015). Collection method: clinical testing. Allele origin: germline.
Comment: This sequence change replaces threonine, which is neutral and polar, with serine, which is neutral and polar, at codon 206 of the GALNS protein (p.Thr206Ser). This variant is not present in population databases (gnomAD no frequency). This variant has not been reported in the literature in individuals affected with GALNS-related conditions. Invitae Evidence Modeling of protein sequence and biophysical properties (such as structural, functional, and spatial information, amino acid conservation, physicochemical variation, residue mobility, and thermodynamic stability) indicates that this missense variant is expected to disrupt GALNS protein function with a positive predictive value of 95%. In summary, the available evidence is currently insufficient to determine the role of this variant in disease. Therefore, it has been classified as a Variant of Uncertain Significance.

NM_000512.5(GALNS):c.616A>T (p.Thr206Ser)

Gene: GALNS (galactosamine (N-acetyl)-6-sulfatase; minus strand). Cytogenetic location: 16q24.3.
Variant type: single nucleotide variant.
Coding change: c.616A>T on transcript NM_000512.5 (MANE Select); coding-DNA position 616, A replaced by T.
Protein change: p.Thr206Ser; replaces threonine 206 with serine.
Molecular consequence: missense variant.
Genome position (GRCh38, 1-based): chr16:88,836,218, T>A on the plus strand (A>T on the coding strand, the complement: GALNS is on the minus strand). VCF-style: chr16-88836218-T-A. GRCh37 (hg19) VCF-style: chr16-88902626-T-A.
Other names: c.61A>T, p.Thr21Ser (NM_001323543.2); c.634A>T, p.Thr212Ser (NM_001323544.2); short protein forms T206S, T212S, T21S.
Identifiers: ClinVar variation 4802782 (VCV004802782.1).
Genomic context (GRCh38, chr16:88,836,218, plus strand): 5'-CCCCATGCGTCCCACAGGGCGAGGATGGTGCGGTCCCCATCACCTGCAGGTAGATCTGGG[T>A]GAGGTTGGCTTCCCCCGTCTTCAGATTAATAGGAAATTCTTCATAATATCTGAAAAGAAC-3'
Protein context (NP_000503.1, residues 196-216): INLKTGEANL[Thr206Ser]QIYLQEALDF